The following is an entry in ClinVar:

ClinVar aggregate classification (germline): Uncertain significance (1 of 4 stars; one submission).

Conditions:
Amelocerebrohypohidrotic syndrome (KTZS). Also called: EPILEPSY AND YELLOW TEETH; EPILEPSY, DEMENTIA, AND AMELOGENESIS IMPERFECTA; KOHLSCHUTTER SYNDROME; Kohlschutter's syndrome. Identifiers: Orphanet 1946, MedGen C0406740, MONDO:0009185, OMIM 226750.

Allele frequency attached by ClinVar (database versions not stated): gnomAD exomes 0.00001.
gnomAD v4.1: 5 of 1,613,804 alleles (0.00031%); highest among the groups gnomAD compares: Non-Finnish European, 0.00042%; no homozygotes.

Submission:

Labcorp Genetics (formerly Invitae), Labcorp
Classification: Uncertain significance for Amelocerebrohypohidrotic syndrome. Last evaluated: 2022-10-08. Review status: criteria provided, single submitter. Criteria: Invitae Variant Classification Sherloc (09022015). Collection method: clinical testing. Allele origin: germline.
Comment: In summary, the available evidence is currently insufficient to determine the role of this variant in disease. Therefore, it has been classified as a Variant of Uncertain Significance. Algorithms developed to predict the effect of missense changes on protein structure and function (SIFT, PolyPhen-2, Align-GVGD) all suggest that this variant is likely to be tolerated. This variant has not been reported in the literature in individuals affected with ROGDI-related conditions. This variant is not present in population databases (gnomAD no frequency). This sequence change replaces serine, which is neutral and polar, with alanine, which is neutral and non-polar, at codon 213 of the ROGDI protein (p.Ser213Ala).

NM_024589.3(ROGDI):c.637T>G (p.Ser213Ala)

Gene: ROGDI (rogdi atypical leucine zipper; minus strand). Cytogenetic location: 16p13.3.
Variant type: single nucleotide variant.
Coding change: c.637T>G on transcript NM_024589.3 (MANE Select); coding-DNA position 637, T replaced by G.
Protein change: p.Ser213Ala; replaces serine 213 with alanine.
Molecular consequence: missense variant. On other transcripts: non-coding transcript variant (1).
Genome position (GRCh38, 1-based): chr16:4,798,079, A>C on the plus strand (T>G on the coding strand, the complement: ROGDI is on the minus strand). VCF-style: chr16-4798079-A-C. GRCh37 (hg19) VCF-style: chr16-4848080-A-C.
Other names: short protein forms S213A.
Identifiers: ClinVar variation 2195850 (VCV002195850.4), dbSNP rs2505715922, ClinGen allele CA394649885.